The following is an entry in ClinVar:

NM_000217.3(KCNA1):c.316G>A (p.Val106Ile)

Gene: KCNA1 (potassium voltage-gated channel subfamily A member 1; plus strand). Cytogenetic location: 12p13.32.
Variant type: single nucleotide variant.
Coding change: c.316G>A on transcript NM_000217.3 (MANE Select); coding-DNA position 316, G replaced by A.
Protein change: p.Val106Ile; replaces valine 106 with isoleucine.
Molecular consequence: missense variant.
Genome position (GRCh38, 1-based): chr12:4,911,694, G>A. VCF-style: chr12-4911694-G-A. GRCh37 (hg19) VCF-style: chr12-5020860-G-A.
Other names: short protein forms V106I.
Identifiers: ClinVar variation 1056453 (VCV001056453.9), dbSNP rs2137672979, ClinGen allele CA383454280.

ClinVar aggregate classification (germline): Uncertain significance (1 of 4 stars; one submission).

Conditions:
Episodic ataxia type 1 (EA1). Also called: MYOKYMIA WITH PERIODIC ATAXIA; PAROXYSMAL ATAXIA WITH NEUROMYOTONIA, HEREDITARY; ATAXIA, EPISODIC, WITH MYOKYMIA; Episodic ataxia/myokymia syndrome. Identifiers: Orphanet 37612, Orphanet 972, MedGen C1719788, MONDO:0008047, OMIM 160120.

Allele frequency attached by ClinVar (database versions not stated): gnomAD exomes below 0.00001.
gnomAD v4.1: 5 of 1,614,184 alleles (0.00031%); highest among the groups gnomAD compares: South Asian, 0.0011%; no homozygotes.

Submission:

Labcorp Genetics (formerly Invitae), Labcorp
Classification: Uncertain significance for Episodic ataxia type 1. Last evaluated: 2018-02-27. Review status: criteria provided, single submitter. Criteria: Invitae Variant Classification Sherloc (09022015). Collection method: clinical testing. Allele origin: germline.
Comment: In summary, the available evidence is currently insufficient to determine the role of this variant in disease. Therefore, it has been classified as a Variant of Uncertain Significance. Algorithms developed to predict the effect of missense changes on protein structure and function do not agree on the potential impact of this missense change (SIFT: "Deleterious"; PolyPhen-2: "Benign"; Align-GVGD: "Class C0"). This variant has not been reported in the literature in individuals with KCNA1-related disease. This variant is not present in population databases (ExAC no frequency). This sequence change replaces valine with isoleucine at codon 106 of the KCNA1 protein (p.Val106Ile). The valine residue is highly conserved and there is a small physicochemical difference between valine and isoleucine.